The following is an entry in ClinVar:

NM_005901.6(SMAD2):c.708G>T (p.Gln236His)

Gene: SMAD2 (SMAD family member 2; minus strand). Cytogenetic location: 18q21.1.
Variant type: single nucleotide variant.
Coding change: c.708G>T on transcript NM_005901.6 (MANE Select); coding-DNA position 708, G replaced by T.
Protein change: p.Gln236His; replaces glutamine 236 with histidine.
Molecular consequence: missense variant.
Genome position (GRCh38, 1-based): chr18:47,865,081, C>A on the plus strand (G>T on the coding strand, the complement: SMAD2 is on the minus strand). VCF-style: chr18-47865081-C-A. GRCh37 (hg19) VCF-style: chr18-45391452-C-A.
Other names: c.708G>T, p.Gln236His (NM_001003652.4); c.618G>T, p.Gln206His (NM_001135937.3); short protein forms Q206H, Q236H.
Identifiers: ClinVar variation 1757093 (VCV001757093.6), dbSNP rs139059864, ClinGen allele CA8956187.

ClinVar aggregate classification (germline): Uncertain significance. Review status: criteria provided, multiple submitters, no conflicts (2 of 4 stars). 3 submissions from 3 submitters: Uncertain significance (3). Last evaluated 2025-06-19.

Conditions:
Inborn genetic diseases. Identifiers: MedGen C0950123, MeSH D030342.

Allele frequency attached by ClinVar (database versions not stated): ExAC 0.00001; gnomAD 0.00002; gnomAD exomes 0.00001; TOPMed 0.00001; ESP Exome Variant Server 0.00008.
gnomAD v4.1: 11 of 1,608,536 alleles (0.00068%); highest among the groups gnomAD compares: Middle Eastern, 0.017%; no homozygotes.

Submissions (3):

Labcorp Genetics (formerly Invitae), Labcorp
Classification: Uncertain significance. Last evaluated: 2025-06-19. Review status: criteria provided, single submitter. Criteria: Invitae Variant Classification Sherloc (09022015). Collection method: clinical testing. Allele origin: germline.
Comment: This sequence change replaces glutamine, which is neutral and polar, with histidine, which is basic and polar, at codon 236 of the SMAD2 protein (p.Gln236His). This variant is present in population databases (rs139059864, gnomAD 0.003%). This variant has not been reported in the literature in individuals affected with SMAD2-related conditions. ClinVar contains an entry for this variant (Variation ID: 1757093). Invitae Evidence Modeling of protein sequence and biophysical properties (such as structural, functional, and spatial information, amino acid conservation, physicochemical variation, residue mobility, and thermodynamic stability) indicates that this missense variant is not expected to disrupt SMAD2 protein function with a negative predictive value of 80%. In summary, the available evidence is currently insufficient to determine the role of this variant in disease. Therefore, it has been classified as a Variant of Uncertain Significance.

Women's Health and Genetics/Laboratory Corporation of America, LabCorp
Classification: Uncertain significance. Last evaluated: 2024-09-03. Review status: criteria provided, single submitter. Criteria: LabCorp Variant Classification Summary - May 2015. Collection method: clinical testing. Allele origin: germline.

Ambry Genetics
Classification: Uncertain significance for Inborn genetic diseases. Last evaluated: 2022-07-06. Review status: criteria provided, single submitter. Criteria: Ambry Variant Classification Scheme 2023. Collection method: clinical testing. Allele origin: germline.
Comment: The p.Q236H variant (also known as c.708G>T), located in coding exon 5 of the SMAD2 gene, results from a G to T substitution at nucleotide position 708. The glutamine at codon 236 is replaced by histidine, an amino acid with highly similar properties. This amino acid position is conserved. In addition, this alteration is predicted to be deleterious by in silico analysis. Since supporting evidence is limited at this time, the clinical significance of this alteration remains unclear.